The following is an entry in ClinVar:

NM_001077418.3(TMEM231):c.438C>T (p.His146=)

Gene: TMEM231 (transmembrane protein 231; minus strand). Cytogenetic location: 16q23.1.
Variant type: single nucleotide variant.
Coding change: c.438C>T on transcript NM_001077418.3 (MANE Select); coding-DNA position 438, C replaced by T.
Protein change: p.His146=; no amino-acid change (histidine 146 retained).
Molecular consequence: synonymous variant. On other transcripts: non-coding transcript variant (1).
Genome position (GRCh38, 1-based): chr16:75,545,826, G>A on the plus strand (C>T on the coding strand, the complement: TMEM231 is on the minus strand). VCF-style: chr16-75545826-G-A. GRCh37 (hg19) VCF-style: chr16-75579724-G-A.
Other names: c.597C>T, p.His199= (NM_001077416.2).
Identifiers: ClinVar variation 2197879 (VCV002197879.5), dbSNP rs1358196751, ClinGen allele CA496578461.

ClinVar aggregate classification (germline): Uncertain significance. Review status: criteria provided, multiple submitters, no conflicts (2 of 4 stars). 2 submissions from 2 submitters: Uncertain significance (2). Last evaluated 2024-04-25.

Conditions:
Joubert syndrome 20 (JBTS20). Identifiers: Orphanet 475, MedGen C3554235, MONDO:0013994, OMIM 614970.
Meckel syndrome, type 11 (MKS11). Identifiers: Orphanet 564, MedGen C3809352, MONDO:0014164, OMIM 615397.

Allele frequency attached by ClinVar (database versions not stated): gnomAD exomes 0.00001.

Submissions (2):

Fulgent Genetics
Classification: Uncertain significance for Joubert syndrome 20; Meckel syndrome, type 11. Last evaluated: 2024-04-25. Review status: criteria provided, single submitter. Criteria: ACMG Guidelines, 2015. Collection method: clinical testing. Allele origin: germline.

Labcorp Genetics (formerly Invitae), Labcorp
Classification: Uncertain significance for Joubert syndrome 20; Meckel syndrome, type 11. Last evaluated: 2022-08-22. Review status: criteria provided, single submitter. Criteria: Invitae Variant Classification Sherloc (09022015). Collection method: clinical testing. Allele origin: germline.
Comment: This sequence change affects codon 199 of the TMEM231 mRNA. It is a 'silent' change, meaning that it does not change the encoded amino acid sequence of the TMEM231 protein. It affects a nucleotide within the consensus splice site. This variant is not present in population databases (gnomAD no frequency). This variant has not been reported in the literature in individuals affected with TMEM231-related conditions. Algorithms developed to predict the effect of sequence changes on RNA splicing suggest that this variant is not likely to affect RNA splicing. In summary, the available evidence is currently insufficient to determine the role of this variant in disease. Therefore, it has been classified as a Variant of Uncertain Significance.